The following is an entry in ClinVar:

ClinVar aggregate classification (germline): Uncertain significance (1 of 4 stars; one submission).

Conditions:
Acute myeloid leukemia (AML). Also called: Leukemia, acute myeloid, somatic; Leukemia, acute myelogenous, somatic; Acute myeloid leukemia, adult; AML adult; Acute non-lymphocytic leukemia; Acute granulocytic leukemia. Identifiers: Orphanet 519, MedGen C0023467, MeSH D015470, MONDO:0018874, OMIM 601626, HP:0004808. Disease mechanism: Constitutively activated FLT3.

Submission:

Labcorp Genetics (formerly Invitae), Labcorp
Classification: Uncertain significance for Acute myeloid leukemia. Last evaluated: 2025-03-31. Review status: criteria provided, single submitter. Criteria: Invitae Variant Classification Sherloc (09022015). Collection method: clinical testing. Allele origin: germline.
Comment: This sequence change replaces proline, which is neutral and non-polar, with serine, which is neutral and polar, at codon 198 of the CEBPA protein (p.Pro198Ser). This variant is not present in population databases (gnomAD no frequency). This variant has not been reported in the literature in individuals affected with CEBPA-related conditions. ClinVar contains an entry for this variant (Variation ID: 1346931). Invitae Evidence Modeling of protein sequence and biophysical properties (such as structural, functional, and spatial information, amino acid conservation, physicochemical variation, residue mobility, and thermodynamic stability) indicates that this missense variant is not expected to disrupt CEBPA protein function with a negative predictive value of 80%. In summary, the available evidence is currently insufficient to determine the role of this variant in disease. Therefore, it has been classified as a Variant of Uncertain Significance.

NM_004364.5(CEBPA):c.592C>T (p.Pro198Ser)

Gene: CEBPA (CCAAT enhancer binding protein alpha; minus strand). Cytogenetic location: 19q13.11.
Variant type: single nucleotide variant.
Coding change: c.592C>T on transcript NM_004364.5 (MANE Select); coding-DNA position 592, C replaced by T.
Protein change: p.Pro198Ser; replaces proline 198 with serine.
Molecular consequence: missense variant.
Genome position (GRCh38, 1-based): chr19:33,301,823, G>A on the plus strand (C>T on the coding strand, the complement: CEBPA is on the minus strand). VCF-style: chr19-33301823-G-A. GRCh37 (hg19) VCF-style: chr19-33792729-G-A.
Other names: c.235C>T, p.Pro79Ser (NM_001285829.2); c.697C>T, p.Pro233Ser (NM_001287424.2); c.550C>T, p.Pro184Ser (NM_001287435.2); short protein forms P184S, P79S, P198S, P233S.
Identifiers: ClinVar variation 1346931 (VCV001346931.8), dbSNP rs2145261086, ClinGen allele CA405274622.